The following is an entry in ClinVar:

ClinVar aggregate classification (germline): Uncertain significance (1 of 4 stars; one submission).

Conditions:
Fanconi anemia complementation group J. Also called: BRIP1-Related Fanconi Anemia. Identifiers: Orphanet 84, MedGen C1836860, MONDO:0012187, OMIM 609054.
Familial cancer of breast. Also called: BREAST CANCER, FAMILIAL; Hereditary breast cancer; hereditary breast carcinoma. Identifiers: Orphanet 227535, MedGen C0346153, MONDO:0016419, OMIM 114480. Disease mechanism: loss of function.

Submission:

Labcorp Genetics (formerly Invitae), Labcorp
Classification: Uncertain significance for Familial cancer of breast; Fanconi anemia complementation group J. Last evaluated: 2022-11-06. Review status: criteria provided, single submitter. Criteria: Invitae Variant Classification Sherloc (09022015). Collection method: clinical testing. Allele origin: germline.
Comment: In summary, the available evidence is currently insufficient to determine the role of this variant in disease. Therefore, it has been classified as a Variant of Uncertain Significance. Advanced modeling of protein sequence and biophysical properties (such as structural, functional, and spatial information, amino acid conservation, physicochemical variation, residue mobility, and thermodynamic stability) performed at Invitae indicates that this missense variant is expected to disrupt BRIP1 protein function. This variant has not been reported in the literature in individuals affected with BRIP1-related conditions. This variant is not present in population databases (gnomAD no frequency). This sequence change replaces threonine, which is neutral and polar, with proline, which is neutral and non-polar, at codon 252 of the BRIP1 protein (p.Thr252Pro).

NM_032043.3(BRIP1):c.754A>C (p.Thr252Pro)

Gene: BRIP1 (BRCA1 interacting DNA helicase 1; minus strand). Cytogenetic location: 17q23.2.
Variant type: single nucleotide variant.
Coding change: c.754A>C on transcript NM_032043.3 (MANE Select); coding-DNA position 754, A replaced by C.
Protein change: p.Thr252Pro; replaces threonine 252 with proline.
Molecular consequence: missense variant.
Genome position (GRCh38, 1-based): chr17:61,808,631, T>G on the plus strand (A>C on the coding strand, the complement: BRIP1 is on the minus strand). VCF-style: chr17-61808631-T-G. GRCh37 (hg19) VCF-style: chr17-59885992-T-G.
Other names: short protein forms T252P.
Identifiers: ClinVar variation 2941345 (VCV002941345.3), dbSNP rs1567838131, ClinGen allele CA400484982.